The following is an entry in ClinVar:

ClinVar aggregate classification (germline): Uncertain significance (1 of 4 stars; one submission).

Conditions:
Majeed syndrome (MJDS). Also called: CHRONIC RECURRENT MULTIFOCAL OSTEOMYELITIS 1, WITH CONGENITAL DYSERYTHROPOIETIC ANEMIA, WITH OR WITHOUT NEUTROPHILIC DERMATOSIS; LPIN2-Related Majeed Syndrome. Identifiers: Orphanet 77297, MedGen C1864997, MONDO:0012316, OMIM 609628.

Submission:

Labcorp Genetics (formerly Invitae), Labcorp
Classification: Uncertain significance for Majeed syndrome. Last evaluated: 2022-03-22. Review status: criteria provided, single submitter. Criteria: Invitae Variant Classification Sherloc (09022015). Collection method: clinical testing. Allele origin: germline.
Comment: In summary, the available evidence is currently insufficient to determine the role of this variant in disease. Therefore, it has been classified as a Variant of Uncertain Significance. This variant has not been reported in the literature in individuals affected with LPIN2-related conditions. This variant is a gross deletion of the genomic region encompassing exon(s) 9-20 of the LPIN2 gene, which includes the termination codon. This deletion extends beyond the assayed region for this gene and therefore may encompass additional genes. While this deletion is not anticipated to lead to nonsense mediated decay, it is expected to alter mRNA translation or result in a truncated protein product.

NC_000018.9:g.(?_2920271)_(2931461_?)del

Gene: LPIN2 (lipin 2; minus strand). Cytogenetic location: 18p11.31.
Variant type: Deletion.
Identifiers: ClinVar variation 1017197 (VCV001017197.7).